The following is an entry in ClinVar:

NM_004544.4(NDUFA10):c.1005G>A (p.Pro335=)

Gene: NDUFA10 (NADH:ubiquinone oxidoreductase subunit A10; minus strand). Cytogenetic location: 2q37.3.
Variant type: single nucleotide variant.
Coding change: c.1005G>A on transcript NM_004544.4 (MANE Select); coding-DNA position 1005, G replaced by A.
Protein change: p.Pro335=; no amino-acid change (proline 335 retained).
Molecular consequence: synonymous variant. On other transcripts: missense variant (1), non-coding transcript variant (3).
Genome position (GRCh38, 1-based): chr2:239,961,181, C>T on the plus strand (G>A on the coding strand, the complement: NDUFA10 is on the minus strand). VCF-style: chr2-239961181-C-T. GRCh37 (hg19) VCF-style: chr2-240900598-C-T.
Other names: c.896G>A, p.Arg299Gln (NM_001322020.2); short protein forms R299Q.
Identifiers: ClinVar variation 507546 (VCV000507546.32), dbSNP rs778173280, ClinGen allele CA2200630.
Genomic context (GRCh38, chr2:239,961,181, plus strand): 5'-CTTCAGCCAGATCCACTTGTCTCCCACCTCGGTGTTGTACCCAGGGCTGTACTTGCGGCC[C>T]GGCAGCTGTGGGGGAAAAAGGCATTGGTGCATTCTGTTTAACGTGAATGAATGTTTCCCC-3'
Protein context (NP_004535.1, residues 325-345): DRVLHQFREL[Pro335=]GRKYSPGYNT

ClinVar aggregate classification (germline): Conflicting classifications of pathogenicity. Review status: criteria provided, conflicting classifications (1 of 4 stars). 3 submissions from 3 submitters: Uncertain significance (1); Likely benign (2). Last evaluated 2023-08-01.

Allele frequency attached by ClinVar (database versions not stated): TOPMed 0.00001; ExAC 0.00005; gnomAD exomes 0.00005 and 0.00006.
gnomAD v4.1: 82 of 1,604,464 alleles (0.0051%); highest among the groups gnomAD compares: Middle Eastern, 0.083%; no homozygotes.

Submissions (3):

CeGaT Center for Human Genetics Tuebingen
Classification: Uncertain significance. Last evaluated: 2023-08-01. Review status: criteria provided, single submitter. Criteria: CeGaT Center For Human Genetics Tuebingen Variant Classification Criteria Version 2. Collection method: clinical testing. Allele origin: germline. Affected: yes. Observed: 1 variant allele.
Comment: NDUFA10: PM2

Labcorp Genetics (formerly Invitae), Labcorp
Classification: Likely benign. Last evaluated: 2021-11-27. Review status: criteria provided, single submitter. Criteria: Invitae Variant Classification Sherloc (09022015). Collection method: clinical testing. Allele origin: germline.

GeneDx
Classification: Likely benign. Last evaluated: 2017-03-02. Review status: criteria provided, single submitter. Criteria: GeneDx Variant Classification (06012015). Collection method: clinical testing. Allele origin: germline. Affected: yes.
Comment: This variant is considered likely benign or benign based on one or more of the following criteria: it is a conservative change, it occurs at a poorly conserved position in the protein, it is predicted to be benign by multiple in silico algorithms, and/or has population frequency not consistent with disease.